The following is an entry in ClinVar:

ClinVar aggregate classification (germline): Uncertain significance (1 of 4 stars; one submission).

Allele frequency attached by ClinVar (database versions not stated): gnomAD exomes below 0.00001.
gnomAD v4.1: 4 of 1,600,000 alleles (0.00025%); highest among the groups gnomAD compares: Non-Finnish European, 0.00034%; no homozygotes.

Submission:

Labcorp Genetics (formerly Invitae), Labcorp
Classification: Uncertain significance. Last evaluated: 2021-10-06. Review status: criteria provided, single submitter. Criteria: Invitae Variant Classification Sherloc (09022015). Collection method: clinical testing. Allele origin: germline.
Comment: This sequence change replaces valine with isoleucine at codon 911 of the COL7A1 protein (p.Val911Ile). The valine residue is weakly conserved and there is a small physicochemical difference between valine and isoleucine. This variant is not present in population databases (ExAC no frequency). This variant has not been reported in the literature in individuals affected with COL7A1-related conditions. Advanced modeling of protein sequence and biophysical properties (such as structural, functional, and spatial information, amino acid conservation, physicochemical variation, residue mobility, and thermodynamic stability) performed at Invitae indicates that this missense variant is not expected to disrupt COL7A1 protein function. In summary, the available evidence is currently insufficient to determine the role of this variant in disease. Therefore, it has been classified as a Variant of Uncertain Significance.

NM_000094.4(COL7A1):c.2731G>A (p.Val911Ile)

Gene: COL7A1 (collagen type VII alpha 1 chain; minus strand). Cytogenetic location: 3p21.31.
Variant type: single nucleotide variant.
Coding change: c.2731G>A on transcript NM_000094.4 (MANE Select); coding-DNA position 2731, G replaced by A.
Protein change: p.Val911Ile; replaces valine 911 with isoleucine.
Molecular consequence: missense variant.
Genome position (GRCh38, 1-based): chr3:48,587,919, C>T on the plus strand (G>A on the coding strand, the complement: COL7A1 is on the minus strand). VCF-style: chr3-48587919-C-T. GRCh37 (hg19) VCF-style: chr3-48625352-C-T.
Other names: short protein forms V911I.
Identifiers: ClinVar variation 1377047 (VCV001377047.3), dbSNP rs1176948687, ClinGen allele CA352716552.
Genomic context (GRCh38, chr3:48,587,919, plus strand): 5'-GGTACTGTGTCGCTGGCTCCAGCCCGTCCAGGTGATAGCTGCTGAGCTCGGGCCCCAGGA[C>T]CCGGGACTGTTCCTGGCCACCTGGGGCAGGCGTGAGGGTGGGGGCCAAGAGCATGTGGGA-3'
Protein context (NP_000085.1, residues 901-921): QPEGGQEQSR[Val911Ile]LGPELSSYHL